The following is an entry in ClinVar:

NM_000088.4(COL1A1):c.2614-3C>T

Gene: COL1A1 (collagen type I alpha 1 chain; minus strand). Cytogenetic location: 17q21.33.
Variant type: single nucleotide variant.
Coding change: c.2614-3C>T on transcript NM_000088.4 (MANE Select); 3 bases into the intron before coding-DNA position 2614, C replaced by T.
Molecular consequence: intron variant.
Genome position (GRCh38, 1-based): chr17:50,189,735, G>A on the plus strand (C>T on the coding strand, the complement: COL1A1 is on the minus strand). VCF-style: chr17-50189735-G-A. GRCh37 (hg19) VCF-style: chr17-48267096-G-A.
Identifiers: ClinVar variation 4738450 (VCV004738450.1).

ClinVar aggregate classification (germline): Uncertain significance (1 of 4 stars; one submission).

Conditions:
Osteogenesis imperfecta type I (OI1). Also called: Osteogenesis imperfecta type 1; Lobstein's Disease; OI, TYPE I; OSTEOGENESIS IMPERFECTA TARDA; OSTEOGENESIS IMPERFECTA WITH BLUE SCLERAE; Lobstein disease. Identifiers: Orphanet 216796, Orphanet 666, MedGen C0023931, MONDO:0008146, OMIM 166200. Disease mechanism: loss of function.

Submission:

Labcorp Genetics (formerly Invitae), Labcorp
Classification: Uncertain significance for Osteogenesis imperfecta type I. Last evaluated: 2025-09-15. Review status: criteria provided, single submitter. Criteria: Invitae Variant Classification Sherloc (09022015). Collection method: clinical testing. Allele origin: germline.
Comment: This sequence change falls in intron 37 of the COL1A1 gene. It does not directly change the encoded amino acid sequence of the COL1A1 protein. It affects a nucleotide within the consensus splice site. The frequency data for this variant in the population databases is considered unreliable, as metrics indicate poor data quality at this position in the gnomAD database. This variant has not been reported in the literature in individuals affected with COL1A1-related conditions. Variants that disrupt the consensus splice site are a relatively common cause of aberrant splicing (PMID: 17576681, 9536098). Algorithms developed to predict the effect of sequence changes on RNA splicing suggest that this variant is not likely to affect RNA splicing. In summary, the available evidence is currently insufficient to determine the role of this variant in disease. Therefore, it has been classified as a Variant of Uncertain Significance.

Literature cited by the submitters: PubMed 17576681; PubMed 9536098.